The following is an entry in ClinVar:

ClinVar aggregate classification (germline): Uncertain significance. Review status: criteria provided, multiple submitters, no conflicts (2 of 4 stars). 6 submissions from 6 submitters: Uncertain significance (6). Last evaluated 2025-12-09.

Conditions:
Classic or attenuated familial adenomatous polyposis. Identifiers: MedGen CN372698, MONDO:0021057.
Hereditary cancer-predisposing syndrome. Also called: Tumor predisposition; Hereditary Cancer Syndrome; Hereditary neoplastic syndrome; Neoplastic Syndromes, Hereditary. Identifiers: Orphanet 140162, MedGen C0027672, MeSH D009386, MONDO:0015356.
Familial adenomatous polyposis 1 (FAP1). Also called: FAMILIAL ADENOMATOUS POLYPOSIS 1, ATTENUATED; POLYPOSIS, ADENOMATOUS INTESTINAL. Identifiers: MedGen C2713442, MONDO:0021056, OMIM 175100. Disease mechanism: loss of function.

Allele frequency attached by ClinVar (database versions not stated): gnomAD exomes below 0.00001; TOPMed below 0.00001; gnomAD 0.00001.
gnomAD v4.1: 6 of 1,613,934 alleles (0.00037%); highest among the groups gnomAD compares: Non-Finnish European, 0.00051%; no homozygotes.

Submissions (6):

Color Diagnostics, LLC DBA Color Health
Classification: Uncertain significance for Hereditary cancer-predisposing syndrome. Last evaluated: 2025-12-09. Review status: criteria provided, single submitter. Criteria: ACMG Guidelines, 2015. Collection method: clinical testing. Allele origin: germline.
Comment: This missense variant replaces leucine with phenylalanine at codon 1129 of the APC protein. Computational prediction suggests that this variant may not impact protein structure and function. APC is defined as a gene for which primarily truncating variants are known to cause disease (ClinGen HCCP VCEP). To our knowledge, functional studies have not been reported for this variant. This variant has not been reported in individuals affected with APC-related disorders in the literature. This variant has been identified in 6/1613934 chromosomes in the general population by the Genome Aggregation Database (gnomAD). The available evidence is insufficient to determine the role of this variant in disease conclusively. Therefore, this variant is classified as a Variant of Uncertain Significance.

Labcorp Genetics (formerly Invitae), Labcorp
Classification: Uncertain significance for Familial adenomatous polyposis 1. Last evaluated: 2025-10-16. Review status: criteria provided, single submitter. Criteria: Invitae Variant Classification Sherloc (09022015). Collection method: clinical testing. Allele origin: germline.
Comment: This sequence change replaces leucine, which is neutral and non-polar, with phenylalanine, which is neutral and non-polar, at codon 1129 of the APC protein (p.Leu1129Phe). This variant is present in population databases (rs730881225, gnomAD 0.0009%). This variant has not been reported in the literature in individuals affected with APC-related conditions. ClinVar contains an entry for this variant (Variation ID: 181771). Invitae Evidence Modeling of protein sequence and biophysical properties (such as structural, functional, and spatial information, amino acid conservation, physicochemical variation, residue mobility, and thermodynamic stability) indicates that this missense variant is not expected to disrupt APC protein function with a negative predictive value of 95%. In summary, the available evidence is currently insufficient to determine the role of this variant in disease. Therefore, it has been classified as a Variant of Uncertain Significance.

Ambry Genetics
Classification: Uncertain significance for Hereditary cancer-predisposing syndrome. Last evaluated: 2025-05-31. Review status: criteria provided, single submitter. Criteria: Ambry Variant Classification Scheme 2023. Collection method: clinical testing. Allele origin: germline.
Comment: The p.L1129F variant (also known as c.3387G>T), located in coding exon 15 of the APC gene, results from a G to T substitution at nucleotide position 3387. The leucine at codon 1129 is replaced by phenylalanine, an amino acid with highly similar properties. This amino acid position is highly conserved in available vertebrate species. In addition, in silico predictors for this gene do not accurately predict pathogenicity. Since supporting evidence is limited at this time, the clinical significance of this alteration remains unclear.

Baylor Genetics
Classification: Uncertain significance for Familial adenomatous polyposis 1. Last evaluated: 2023-05-24. Review status: criteria provided, single submitter. Criteria: ACMG Guidelines, 2015. Collection method: clinical testing. Allele origin: unknown.

All of Us Research Program, National Institutes of Health
Classification: Uncertain significance for Classic or attenuated familial adenomatous polyposis. Last evaluated: 2023-03-23. Review status: criteria provided, single submitter. Criteria: ACMG Guidelines, 2015. Collection method: clinical testing. Allele origin: germline. Inheritance: Autosomal dominant inheritance. Observed: 1 variant allele, 1 heterozygote.
Comment: This missense variant replaces leucine with phenylalanine at codon 1129 of the APC protein. Computational prediction suggests that this variant may not impact protein structure and function (internally defined REVEL score threshold <= 0.5, PMID: 27666373). To our knowledge, functional studies have not been reported for this variant. This variant has not been reported in individuals affected with hereditary cancer in the literature. This variant has been identified in 1/250684 chromosomes in the general population by the Genome Aggregation Database (gnomAD). The available evidence is insufficient to determine the role of this variant in disease conclusively. Therefore, this variant is classified as a Variant of Uncertain Significance.

This study involves interpretation of variants in research participants for the purpose of population health screening. Participant phenotype was not available at the time of variant classification. Additional details can be found in publication PMID: 35346344, PMCID: PMC8962531

GeneDx
Classification: Uncertain significance. Last evaluated: 2022-08-24. Review status: criteria provided, single submitter. Criteria: GeneDx Variant Classification Process June 2021. Collection method: clinical testing. Allele origin: germline. Affected: yes.
Comment: Not observed at significant frequency in large population cohorts (gnomAD); In silico analysis supports that this missense variant does not alter protein structure/function; Has not been previously published as pathogenic or benign to our knowledge; This variant is associated with the following publications: (PMID: 18199528)

NM_000038.6(APC):c.3387G>T (p.Leu1129Phe)

Gene: APC (APC regulator of Wnt signaling pathway; plus strand). Cytogenetic location: 5q22.2.
Variant type: single nucleotide variant.
Coding change: c.3387G>T on transcript NM_000038.6 (MANE Select); coding-DNA position 3387, G replaced by T.
Protein change: p.Leu1129Phe; replaces leucine 1129 with phenylalanine.
Molecular consequence: missense variant.
Genome position (GRCh38, 1-based): chr5:112,838,981, G>T. VCF-style: chr5-112838981-G-T. GRCh37 (hg19) VCF-style: chr5-112174678-G-T.
Other names: p.L1129F:TTG>TTT; c.3387G>T, p.Leu1129Phe (NM_001127510.3, NM_001354895.2); c.3333G>T, p.Leu1111Phe (NM_001127511.3); c.3441G>T, p.Leu1147Phe (NM_001354896.2); c.3417G>T, p.Leu1139Phe (NM_001354897.2); c.3312G>T, p.Leu1104Phe (NM_001354898.2); c.3303G>T, p.Leu1101Phe (NM_001354899.2); c.3264G>T, p.Leu1088Phe (NM_001354900.2); and 6 more; short protein forms L1111F, L1129F, L1003F, L1028F, L1101F, L1038F, L1070F, L1088F.
Identifiers: ClinVar variation 181771 (VCV000181771.24), dbSNP rs730881225, ClinGen allele CA008358.